The following is an entry in ClinVar:

ClinVar aggregate classification (germline): Likely benign. Review status: criteria provided, multiple submitters, no conflicts (2 of 4 stars). 3 submissions from 3 submitters: Likely benign (3). Last evaluated 2026-02-19.

Conditions:
Inborn genetic diseases. Identifiers: MedGen C0950123, MeSH D030342.
CDK13-related disorder. Also called: CDK13-related condition. Identifiers: MedGen C5816700.

Allele frequency attached by ClinVar (database versions not stated): TOPMed 0.00031; gnomAD exomes 0.00025 and 0.00016; gnomAD 0.00029 and 0.00026; 1000 Genomes Project 0.00120; ESP Exome Variant Server 0.00008; ExAC 0.00019; 1000 Genomes Project 30x 0.00156.
gnomAD v4.1: 290 of 1,614,130 alleles (0.018%); highest among the groups gnomAD compares: Admixed American, 0.17%; 1 homozygote.

Submissions (3):

PreventionGenetics, part of Exact Sciences
Classification: Likely benign for CDK13-related condition. Last evaluated: 2026-02-19. Review status: criteria provided, single submitter. Criteria: ACMG Guidelines, 2015. Collection method: clinical testing. Allele origin: germline.
Comment: This variant is classified as likely benign based on ACMG/AMP sequence variant interpretation guidelines (Richards et al. 2015 PMID: 25741868, with internal and published modifications).

Labcorp Genetics (formerly Invitae), Labcorp
Classification: Likely benign. Last evaluated: 2026-01-15. Review status: criteria provided, single submitter. Criteria: Invitae Variant Classification Sherloc (09022015). Collection method: clinical testing. Allele origin: germline.

Ambry Genetics
Classification: Likely benign for Inborn genetic diseases. Last evaluated: 2023-08-20. Review status: criteria provided, single submitter. Criteria: Ambry Variant Classification Scheme 2023. Collection method: clinical testing. Allele origin: germline.

NM_003718.5(CDK13):c.3401G>T (p.Gly1134Val)

Gene: CDK13 (cyclin dependent kinase 13; plus strand). Cytogenetic location: 7p14.1.
Variant type: single nucleotide variant.
Coding change: c.3401G>T on transcript NM_003718.5 (MANE Select); coding-DNA position 3401, G replaced by T.
Protein change: p.Gly1134Val; replaces glycine 1134 with valine.
Molecular consequence: missense variant. On other transcripts: intron variant (1).
Genome position (GRCh38, 1-based): chr7:40,092,950, G>T. VCF-style: chr7-40092950-G-T. GRCh37 (hg19) VCF-style: chr7-40132549-G-T.
Other names: c.3236-15G>T (NM_031267.3); short protein forms G1134V.
Identifiers: ClinVar variation 718472 (VCV000718472.11), dbSNP rs188313505, ClinGen allele CA4228938.
Genomic context (GRCh38, chr7:40,092,950, plus strand): 5'-TGAACATTAAGGTAAACTCTGAGACTCAACAGCAGCTAAATAAAATAAACCTTCCTGCTG[G>T]AATTTTGGCAACAGGTGAAAAACAGACAGATCCATCAACACCACAACAGGAGTCTTCGAA-3'
Protein context (NP_003709.3, residues 1124-1144): QQLNKINLPA[Gly1134Val]ILATGEKQTD